The following is an entry in ClinVar:

ClinVar aggregate classification (germline): Uncertain significance (1 of 4 stars; one submission).

Conditions:
Hydrocephalus, nonsyndromic, autosomal recessive 1 (HYC1). Also called: Hydrocephalus, nonsyndromic, autosomal recessive; Congenital hydrocephalus 1. Identifiers: Orphanet 2185, MedGen C3887608, MONDO:0009360, OMIM 236600.

Submission:

Myriad Genetics, Inc.
Classification: Uncertain significance for Hydrocephalus, nonsyndromic, autosomal recessive 1. Last evaluated: 2026-06-30. Review status: criteria provided, single submitter. Criteria: Myriad Autosomal Dominant, Autosomal Recessive and X-Linked Classification Criteria (2023). Collection method: clinical testing. Allele origin: unknown.
Comment: NM_001080414.3(CCDC88C):c.1666-1G>A is a variant in a canonical splice site classified as a variant of uncertain significance in the context of congenital hydrocephalus, CCDC88C-related. c.1666-1G>A has not been observed in cases with relevant disease. Relevant functional assessments of this variant are not available in the literature. c.1666-1G>A has not been observed in referenced population frequency databases. In summary, there is insufficient evidence to classify NM_001080414.3(CCDC88C):c.1666-1G>A as pathogenic or benign. Please note: this variant was assessed in the context of healthy population screening.

NM_001080414.4(CCDC88C):c.1666-1G>A

Gene: CCDC88C (coiled-coil and HOOK domain protein 88C; minus strand). Cytogenetic location: 14q32.11.
Variant type: single nucleotide variant.
Coding change: c.1666-1G>A on transcript NM_001080414.4 (MANE Select); the canonical splice acceptor site of the intron before coding-DNA position 1666, G replaced by A.
Molecular consequence: splice acceptor variant.
Genome position (GRCh38, 1-based): chr14:91,314,151, C>T on the plus strand (G>A on the coding strand, the complement: CCDC88C is on the minus strand). VCF-style: chr14-91314151-C-T. GRCh37 (hg19) VCF-style: chr14-91780495-C-T.
Identifiers: ClinVar variation 5004659 (VCV005004659.1).